The following is an entry in ClinVar:

NM_001204.7(BMPR2):c.2092C>G (p.Pro698Ala)

Gene: BMPR2 (bone morphogenetic protein receptor type 2; plus strand). Cytogenetic location: 2q33.2.
Variant type: single nucleotide variant.
Coding change: c.2092C>G on transcript NM_001204.7 (MANE Select); coding-DNA position 2092, C replaced by G.
Protein change: p.Pro698Ala; replaces proline 698 with alanine.
Molecular consequence: missense variant.
Genome position (GRCh38, 1-based): chr2:202,555,757, C>G. VCF-style: chr2-202555757-C-G. GRCh37 (hg19) VCF-style: chr2-203420480-C-G.
Other names: short protein forms P698A.
Identifiers: ClinVar variation 4993021 (VCV004993021.1).

ClinVar aggregate classification (germline): Uncertain significance (1 of 4 stars; one submission).

Conditions:
BMPR2-related disorder. Also called: BMPR2-related condition; BMPR2-related disorders.

Submission:

PreventionGenetics, part of Exact Sciences
Classification: Uncertain significance for BMPR2-related condition. Last evaluated: 2026-03-12. Review status: criteria provided, single submitter. Criteria: ACMG Guidelines, 2015. Collection method: clinical testing. Allele origin: germline.
Comment: The BMPR2 c.2092C>G variant is predicted to result in the amino acid substitution p.Pro698Ala. To our knowledge, this variant has not been reported in the literature or in a large population database (gnomAD), indicating this variant is rare. At this time, the clinical significance of this variant is uncertain due to the absence of conclusive functional and genetic evidence.